The following is an entry in ClinVar:

NM_006019.4(TCIRG1):c.503+1G>A

Gene: TCIRG1 (T cell immune regulator 1, ATPase H+ transporting V0 subunit a3; plus strand). Cytogenetic location: 11q13.2.
Variant type: single nucleotide variant.
Coding change: c.503+1G>A on transcript NM_006019.4 (MANE Select); the canonical splice donor site of the intron after coding-DNA position 503, G replaced by A.
Molecular consequence: splice donor variant. On other transcripts: 5 prime UTR variant (2).
Genome position (GRCh38, 1-based): chr11:68,043,032, G>A. VCF-style: chr11-68043032-G-A. GRCh37 (hg19) VCF-style: chr11-67810499-G-A.
Other names: c.-746G>A (NM_001351059.2); c.-484G>A (NM_006053.4).
Identifiers: ClinVar variation 558548 (VCV000558548.10), dbSNP rs1554995381, ClinGen allele CA381577019.

ClinVar aggregate classification (germline): Likely pathogenic. Review status: criteria provided, single submitter (1 of 4 stars). 2 submissions from 2 submitters: Likely pathogenic (1). 1 of the submissions does not count toward it. Last evaluated 2021-03-13.

Conditions:
Autosomal recessive osteopetrosis 1. Also called: TCIRG1-Related Autosomal Recessive Osteopetrosis; TCIRG1-Related Osteopetrosis; ALBERS-SCHONBERG DISEASE, AUTOSOMAL RECESSIVE. Identifiers: Orphanet 667, MedGen C1850127, MONDO:0009815, OMIM 259700.

Submissions (2):

Labcorp Genetics (formerly Invitae), Labcorp
Classification: Likely pathogenic. Last evaluated: 2021-03-13. Review status: criteria provided, single submitter. Criteria: Invitae Variant Classification Sherloc (09022015). Collection method: clinical testing. Allele origin: germline.
Comment: In summary, the currently available evidence indicates that the variant is pathogenic, but additional data are needed to prove that conclusively. Therefore, this variant has been classified as Likely Pathogenic. Algorithms developed to predict the effect of sequence changes on RNA splicing suggest that this variant may disrupt the consensus splice site, but this prediction has not been confirmed by published transcriptional studies. This variant has not been reported in the literature in individuals with TCIRG1-related conditions. ClinVar contains an entry for this variant (Variation ID: 558548). This variant is not present in population databases (ExAC no frequency). This sequence change affects a donor splice site in intron 5 of the TCIRG1 gene. It is expected to disrupt RNA splicing. Variants that disrupt the donor or acceptor splice site typically lead to a loss of protein function (PMID: 16199547), and loss-of-function variants in TCIRG1 are known to be pathogenic (PMID: 10888887, 10942435, 11532986, 19448635).

Counsyl
Classification: Likely pathogenic for Autosomal recessive osteopetrosis 1. Last evaluated: 2018-05-30. Review status: no assertion criteria provided. Collection method: clinical testing. Allele origin: unknown. Not counted in ClinVar's aggregate classification.

Literature cited by the submitters: PubMed 16199547 (cited by Labcorp Genetics (formerly Invitae), Labcorp); PubMed 10888887 (cited by Labcorp Genetics (formerly Invitae), Labcorp); PubMed 10942435 (cited by Labcorp Genetics (formerly Invitae), Labcorp); PubMed 11532986 (cited by Labcorp Genetics (formerly Invitae), Labcorp); PubMed 19448635 (cited by Labcorp Genetics (formerly Invitae), Labcorp).